The following is an entry in ClinVar:

ClinVar aggregate classification (germline): Uncertain significance (1 of 4 stars; one submission).

Conditions:
Fanconi anemia complementation group J. Also called: BRIP1-Related Fanconi Anemia. Identifiers: Orphanet 84, MedGen C1836860, MONDO:0012187, OMIM 609054.
Familial cancer of breast. Also called: Hereditary breast cancer; BREAST CANCER, FAMILIAL; hereditary breast carcinoma. Identifiers: Orphanet 227535, MedGen C0346153, MONDO:0016419, OMIM 114480. Disease mechanism: loss of function.

Submission:

Labcorp Genetics (formerly Invitae), Labcorp
Classification: Uncertain significance for Familial cancer of breast; Fanconi anemia complementation group J. Last evaluated: 2021-05-02. Review status: criteria provided, single submitter. Criteria: Invitae Variant Classification Sherloc (09022015). Collection method: clinical testing. Allele origin: germline.
Comment: This variant is not present in population databases (ExAC no frequency). This sequence change replaces histidine with glutamine at codon 435 of the BRIP1 protein (p.His435Gln). The histidine residue is highly conserved and there is a small physicochemical difference between histidine and glutamine. This variant has not been reported in the literature in individuals with BRIP1-related conditions. In summary, the available evidence is currently insufficient to determine the role of this variant in disease. Therefore, it has been classified as a Variant of Uncertain Significance. Algorithms developed to predict the effect of missense changes on protein structure and function are either unavailable or do not agree on the potential impact of this missense change (SIFT: "Tolerated"; PolyPhen-2: "Probably Damaging"; Align-GVGD: "Class C0").

NM_032043.3(BRIP1):c.1305T>G (p.His435Gln)

Gene: BRIP1 (BRCA1 interacting DNA helicase 1; minus strand). Cytogenetic location: 17q23.2.
Variant type: single nucleotide variant.
Coding change: c.1305T>G on transcript NM_032043.3 (MANE Select); coding-DNA position 1305, T replaced by G.
Protein change: p.His435Gln; replaces histidine 435 with glutamine.
Molecular consequence: missense variant.
Genome position (GRCh38, 1-based): chr17:61,799,135, A>C on the plus strand (T>G on the coding strand, the complement: BRIP1 is on the minus strand). VCF-style: chr17-61799135-A-C. GRCh37 (hg19) VCF-style: chr17-59876496-A-C.
Other names: short protein forms H435Q.
Identifiers: ClinVar variation 1365178 (VCV001365178.9), dbSNP rs1352266926, ClinGen allele CA400483467.